The following is an entry in ClinVar:

ClinVar aggregate classification (germline): Uncertain significance (1 of 4 stars; one submission).

Submission:

Labcorp Genetics (formerly Invitae), Labcorp
Classification: Uncertain significance. Last evaluated: 2023-08-31. Review status: criteria provided, single submitter. Criteria: Invitae Variant Classification Sherloc (09022015). Collection method: clinical testing. Allele origin: germline.
Comment: Algorithms developed to predict the effect of sequence changes on RNA splicing suggest that this variant may disrupt the consensus splice site. In summary, the available evidence is currently insufficient to determine the role of this variant in disease. Therefore, it has been classified as a Variant of Uncertain Significance. An algorithm developed to predict the effect of missense changes on protein structure and function (PolyPhen-2) suggests that this variant is likely to be disruptive. This sequence change replaces proline, which is neutral and non-polar, with leucine, which is neutral and non-polar, at codon 1188 of the DUOX2 protein (p.Pro1188Leu). This variant is not present in population databases (gnomAD no frequency). This variant has not been reported in the literature in individuals affected with DUOX2-related conditions.

NM_001363711.2(DUOX2):c.3563C>T (p.Pro1188Leu)

Gene: DUOX2 (dual oxidase 2; minus strand). Cytogenetic location: 15q21.1.
Variant type: single nucleotide variant.
Coding change: c.3563C>T on transcript NM_001363711.2 (MANE Select); coding-DNA position 3563, C replaced by T.
Protein change: p.Pro1188Leu; replaces proline 1188 with leucine.
Molecular consequence: missense variant.
Genome position (GRCh38, 1-based): chr15:45,098,011, G>A on the plus strand (C>T on the coding strand, the complement: DUOX2 is on the minus strand). VCF-style: chr15-45098011-G-A. GRCh37 (hg19) VCF-style: chr15-45390209-G-A.
Other names: c.3563C>T, p.Pro1188Leu (NM_014080.5); short protein forms P1188L.
Identifiers: ClinVar variation 2790884 (VCV002790884.3), dbSNP rs2504745485, ClinGen allele CA392257800.
Genomic context (GRCh38, chr15:45,098,011, plus strand): 5'-GAGATGGAGACAAAAGCAGAAGTCCTCAGACAGAACCCCCAGGTCCCACGTTTCCTACCT[G>A]GGACGGTCTGGAAGAACCACCAATAGAACTTCTGGGGAAGCTTGGACCTGGGGGGCAAAG-3'
Protein context (NP_001350640.1, residues 1178-1198): KFYWWFFQTV[Pro1188Leu]GMTGVLLLLV